The following is an entry in ClinVar:

ClinVar aggregate classification (germline): Uncertain significance. Review status: criteria provided, multiple submitters, no conflicts (2 of 4 stars). 2 submissions from 2 submitters: Uncertain significance (2). Last evaluated 2024-01-14.

Conditions:
Orofaciodigital syndrome type 6 (OFD6). Also called: OFDS VI; OROFACIODIGITAL SYNDROME VI; POLYDACTYLY, CLEFT LIP/PALATE OR LINGUAL LUMP, AND PSYCHOMOTOR RETARDATION; VARADI SYNDROME; VARADI-PAPP SYNDROME; Oral-facial-digital syndrome type 6. Identifiers: Orphanet 2754, MedGen C2745997, MONDO:0010176, OMIM 277170.
Joubert syndrome 17 (JBTS17). Identifiers: Orphanet 475, MedGen C3553264, MONDO:0013824, OMIM 614615.

Allele frequency attached by ClinVar (database versions not stated): gnomAD 0.00001; TOPMed 0.00001.
gnomAD v4.1: 1 of 1,550,386 alleles (0.000065%); highest among the groups gnomAD compares: African/African-American, 0.0014%; no homozygotes.

Submissions (2):

Fulgent Genetics
Classification: Uncertain significance for Orofaciodigital syndrome type 6; Joubert syndrome 17. Last evaluated: 2024-01-14. Review status: criteria provided, single submitter. Criteria: ACMG Guidelines, 2015. Collection method: clinical testing. Allele origin: germline.

Labcorp Genetics (formerly Invitae), Labcorp
Classification: Uncertain significance. Last evaluated: 2022-04-12. Review status: criteria provided, single submitter. Criteria: Invitae Variant Classification Sherloc (09022015). Collection method: clinical testing. Allele origin: germline.
Comment: Advanced modeling of protein sequence and biophysical properties (such as structural, functional, and spatial information, amino acid conservation, physicochemical variation, residue mobility, and thermodynamic stability) performed at Invitae indicates that this missense variant is expected to disrupt CPLANE1 protein function. This variant has not been reported in the literature in individuals affected with CPLANE1-related conditions. This variant is not present in population databases (gnomAD no frequency). This sequence change replaces serine, which is neutral and polar, with tyrosine, which is neutral and polar, at codon 123 of the CPLANE1 protein (p.Ser123Tyr). In summary, the available evidence is currently insufficient to determine the role of this variant in disease. Therefore, it has been classified as a Variant of Uncertain Significance.

NM_001384732.1(CPLANE1):c.368C>A (p.Ser123Tyr)

Gene: CPLANE1 (ciliogenesis and planar polarity effector complex subunit 1; minus strand). Cytogenetic location: 5p13.2.
Variant type: single nucleotide variant.
Coding change: c.368C>A on transcript NM_001384732.1 (MANE Select); coding-DNA position 368, C replaced by A.
Protein change: p.Ser123Tyr; replaces serine 123 with tyrosine.
Molecular consequence: missense variant.
Genome position (GRCh38, 1-based): chr5:37,244,577, G>T on the plus strand (C>A on the coding strand, the complement: CPLANE1 is on the minus strand). VCF-style: chr5-37244577-G-T. GRCh37 (hg19) VCF-style: chr5-37244679-G-T.
Other names: c.368C>A (NM_023073.3); c.368C>A, p.Ser123Tyr (NM_023073.4); short protein forms S123Y.
Identifiers: ClinVar variation 2065593 (VCV002065593.5), dbSNP rs957027661, ClinGen allele CA117068890.
Genomic context (GRCh38, chr5:37,244,577, plus strand): 5'-TATTCCCAAAGAAATATGCATCCAGAAGGTGTTATGAGCACAATTCTTTTCCCATTTCCA[G>T]ATACATACAAGTACAGTCTCAAAGAGCTTGCTAAAAAAGTAACAAAAAAAGTAATTAAGC-3'
Protein context (NP_001371661.1, residues 113-133): ASSLRLYLYV[Ser123Tyr]GNGKRIVLIT